The following is an entry in ClinVar:

NM_014425.5(INVS):c.2240G>A (p.Cys747Tyr)

Gene: INVS (inversin; plus strand). Cytogenetic location: 9q31.1.
Variant type: single nucleotide variant.
Coding change: c.2240G>A on transcript NM_014425.5 (MANE Select); coding-DNA position 2240, G replaced by A.
Protein change: p.Cys747Tyr; replaces cysteine 747 with tyrosine.
Molecular consequence: missense variant. On other transcripts: non-coding transcript variant (1).
Genome position (GRCh38, 1-based): chr9:100,292,497, G>A. VCF-style: chr9-100292497-G-A. GRCh37 (hg19) VCF-style: chr9-103054779-G-A.
Other names: c.1952G>A, p.Cys651Tyr (NM_001318381.2); c.1262G>A, p.Cys421Tyr (NM_001318382.2); short protein forms C421Y, C651Y, C747Y.
Identifiers: ClinVar variation 2186863 (VCV002186863.1), dbSNP rs1408018490, ClinGen allele CA374242524.
Genomic context (GRCh38, chr9:100,292,497, plus strand): 5'-GTGAGACAGCTGGCGATGAGCGGTGTGCAAAGGGGAAAGGCTTCGTGAAGCAGCCCTCCT[G>A]TATCAGGGTGGCTGGGCCTGATGAGAAAGGAGAGGACTCCAGGCGGGCAGCTGCAAGCCT-3'
Protein context (NP_055240.2, residues 737-757): KGKGFVKQPS[Cys747Tyr]IRVAGPDEKG

ClinVar aggregate classification (germline): Uncertain significance (1 of 4 stars; one submission).

Conditions:
Nephronophthisis. Also called: Juvenile Nephronophthisis. Identifiers: Orphanet 655, MedGen C0687120, MONDO:0019005, HP:0000090.

Allele frequency attached by ClinVar (database versions not stated): gnomAD exomes below 0.00001; TOPMed below 0.00001.
gnomAD v4.1: 2 of 1,614,182 alleles (0.00012%); highest among the groups gnomAD compares: East Asian, 0.0022%; no homozygotes.

Submission:

Labcorp Genetics (formerly Invitae), Labcorp
Classification: Uncertain significance for Nephronophthisis. Last evaluated: 2022-07-30. Review status: criteria provided, single submitter. Criteria: Invitae Variant Classification Sherloc (09022015). Collection method: clinical testing. Allele origin: germline.
Comment: This sequence change replaces cysteine, which is neutral and slightly polar, with tyrosine, which is neutral and polar, at codon 747 of the INVS protein (p.Cys747Tyr). The frequency data for this variant in the population databases is considered unreliable, as metrics indicate poor data quality at this position in the gnomAD database. This variant has not been reported in the literature in individuals affected with INVS-related conditions. Algorithms developed to predict the effect of missense changes on protein structure and function output the following: SIFT: "Tolerated"; PolyPhen-2: "Benign"; Align-GVGD: "Class C0". The tyrosine amino acid residue is found in multiple mammalian species, which suggests that this missense change does not adversely affect protein function. In summary, the available evidence is currently insufficient to determine the role of this variant in disease. Therefore, it has been classified as a Variant of Uncertain Significance.